The following is an entry in ClinVar:

NM_001010867.4(IBA57):c.515C>A (p.Ala172Asp)

Gene: IBA57 (iron-sulfur cluster assembly factor IBA57; plus strand). Cytogenetic location: 1q42.13.
Variant type: single nucleotide variant.
Coding change: c.515C>A on transcript NM_001010867.4 (MANE Select); coding-DNA position 515, C replaced by A.
Protein change: p.Ala172Asp; replaces alanine 172 with aspartic acid.
Molecular consequence: missense variant. On other transcripts: 5 prime UTR variant (1).
Genome position (GRCh38, 1-based): chr1:228,174,865, C>A. VCF-style: chr1-228174865-C-A. GRCh37 (hg19) VCF-style: chr1-228362566-C-A.
Other names: c.-65C>A (NM_001310327.2); short protein forms A172D.
Identifiers: ClinVar variation 3900369 (VCV003900369.1).

ClinVar aggregate classification (germline): Uncertain significance (1 of 4 stars; one submission).

Submission:

GeneDx
Classification: Uncertain significance. Last evaluated: 2024-11-26. Review status: criteria provided, single submitter. Criteria: GeneDx Variant Classification Process June 2021. Collection method: clinical testing. Allele origin: germline. Affected: yes.
Comment: Not observed at significant frequency in large population cohorts (gnomAD); In silico analysis indicates that this missense variant does not alter protein structure/function; Has not been previously published as pathogenic or benign to our knowledge